The following is an entry in ClinVar:

ClinVar aggregate classification (germline): Uncertain significance (1 of 4 stars; one submission).

Submission:

Labcorp Genetics (formerly Invitae), Labcorp
Classification: Uncertain significance. Last evaluated: 2022-08-09. Review status: criteria provided, single submitter. Criteria: Invitae Variant Classification Sherloc (09022015). Collection method: clinical testing. Allele origin: germline.
Comment: This sequence change replaces asparagine, which is neutral and polar, with serine, which is neutral and polar, at codon 1202 of the CDH23 protein (p.Asn1202Ser). This variant is not present in population databases (gnomAD no frequency). In summary, the available evidence is currently insufficient to determine the role of this variant in disease. Therefore, it has been classified as a Variant of Uncertain Significance. Algorithms developed to predict the effect of missense changes on protein structure and function are either unavailable or do not agree on the potential impact of this missense change (SIFT: "Deleterious"; PolyPhen-2: "Not Available"; Align-GVGD: "Class C45"). ClinVar contains an entry for this variant (Variation ID: 1004157). This variant has not been reported in the literature in individuals affected with CDH23-related conditions.

NM_022124.6(CDH23):c.3605A>G (p.Asn1202Ser)

Genes: C10orf105 (chromosome 10 open reading frame 105; minus strand), CDH23 (cadherin related 23; plus strand). Cytogenetic location: 10q22.1.
Variant type: single nucleotide variant.
Coding change: c.3605A>G on transcript NM_022124.6 (MANE Select); coding-DNA position 3605, A replaced by G.
Protein change: p.Asn1202Ser; replaces asparagine 1202 with serine.
Molecular consequence: missense variant. On other transcripts: intron variant (1).
Genome position (GRCh38, 1-based): chr10:71,730,494, A>G. VCF-style: chr10-71730494-A-G. GRCh37 (hg19) VCF-style: chr10-73490251-A-G.
Other names: c.3605A>G, p.Asn1202Ser (NM_001171930.2); c.-6+7234T>C (NM_001168390.2); short protein forms N1202S.
Identifiers: ClinVar variation 1004157 (VCV001004157.9), dbSNP rs1839335270, ClinGen allele CA377154320.